The following is an entry in ClinVar:

NM_021813.4(BACH2):c.584C>T (p.Ala195Val)

Gene: BACH2 (BACH transcriptional regulator 2; minus strand). Cytogenetic location: 6q15.
Variant type: single nucleotide variant.
Coding change: c.584C>T on transcript NM_021813.4 (MANE Select); coding-DNA position 584, C replaced by T.
Protein change: p.Ala195Val; replaces alanine 195 with valine.
Molecular consequence: missense variant.
Genome position (GRCh38, 1-based): chr6:89,951,522, G>A on the plus strand (C>T on the coding strand, the complement: BACH2 is on the minus strand). VCF-style: chr6-89951522-G-A. GRCh37 (hg19) VCF-style: chr6-90661241-G-A.
Other names: c.584C>T, p.Ala195Val (NM_001170794.2); short protein forms A195V.
Identifiers: ClinVar variation 2787776 (VCV002787776.3), dbSNP rs1204800502, ClinGen allele CA365072683.
Genomic context (GRCh38, chr6:89,951,522, plus strand): 5'-TCTGTGGGCACGTCAGGCTCGGGCAGCAGGGCTTCTTCCTTCTCTGCTACGGGGATGGCG[G>A]CGGCCTCAAAGCTGATGGGCTCTGGAAGCATCTGGTCCCTGGGGCAAGCCATCTTGGCCG-3'
Protein context (NP_068585.1, residues 185-205): MLPEPISFEA[Ala195Val]AIPVAEKEEA

ClinVar aggregate classification (germline): Uncertain significance (1 of 4 stars; one submission).

Allele frequency attached by ClinVar (database versions not stated): TOPMed 0.00001.

Submission:

Labcorp Genetics (formerly Invitae), Labcorp
Classification: Uncertain significance. Last evaluated: 2023-09-25. Review status: criteria provided, single submitter. Criteria: Invitae Variant Classification Sherloc (09022015). Collection method: clinical testing. Allele origin: germline.
Comment: This sequence change replaces alanine, which is neutral and non-polar, with valine, which is neutral and non-polar, at codon 195 of the BACH2 protein (p.Ala195Val). This variant is not present in population databases (gnomAD no frequency). This variant has not been reported in the literature in individuals affected with BACH2-related conditions. Advanced modeling of protein sequence and biophysical properties (such as structural, functional, and spatial information, amino acid conservation, physicochemical variation, residue mobility, and thermodynamic stability) performed at Invitae indicates that this missense variant is not expected to disrupt BACH2 protein function. In summary, the available evidence is currently insufficient to determine the role of this variant in disease. Therefore, it has been classified as a Variant of Uncertain Significance.